The following is an entry in ClinVar:

NM_001267550.2(TTN):c.54364_54376del (p.Val18122fs)

Genes: TTN-AS1 (TTN antisense RNA 1; plus strand), TTN (titin; minus strand). Cytogenetic location: 2q31.2.
Variant type: Deletion.
Coding change: c.54364_54376del on transcript NM_001267550.2 (MANE Select); coding-DNA positions 54364 to 54376, 13 bases deleted (GTAGAGAAAAGAT).
Protein change: p.Val18122fs; shifts the reading frame from valine 18122.
Molecular consequence: frameshift variant.
Genome position (GRCh38, 1-based): chr2:178,604,713-178,604,725, ATCTTTTCTCTAC deleted on the plus strand (GTAGAGAAAAGAT on the coding strand, the reverse complement: TTN is on the minus strand); deleting any 13 consecutive bases within chr2:178,604,713-178,604,726 gives the same sequence; the c. name uses the placement nearest the transcript's 3' end. VCF-style (leftmost placement, unchanged base first): chr2-178604712-TATCTTTTCTCTAC-T. GRCh37 (hg19) VCF-style: chr2-179469439-TATCTTTTCTCTAC-T.
Other names: c.49441_49453del, p.Val16481fs (NM_001256850.1); c.27169_27181del, p.Val9057fs (NM_003319.4); c.46660_46672del, p.Val15554fs (NM_133378.4); c.27544_27556del, p.Val9182fs (NM_133432.3); c.27745_27757del, p.Val9249fs (NM_133437.4); short protein forms V16481fs, V15554fs, V18122fs, V9182fs, V9057fs, V9249fs.
Identifiers: ClinVar variation 4784099 (VCV004784099.1).

ClinVar aggregate classification (germline): Likely pathogenic (1 of 4 stars; one submission).

Conditions:
Dilated cardiomyopathy 1G (CMD1G). Identifiers: Orphanet 154, MedGen C1858763, MONDO:0011400, OMIM 604145.
Autosomal recessive limb-girdle muscular dystrophy type 2J (LGMDR10). Also called: Limb-girdle muscular dystrophy, type 2J; MUSCULAR DYSTROPHY, LIMB-GIRDLE, AUTOSOMAL RECESSIVE 10. Identifiers: Orphanet 140922, MedGen C1837342, MONDO:0012127, OMIM 608807.

Submission:

Labcorp Genetics (formerly Invitae), Labcorp
Classification: Likely pathogenic for Dilated cardiomyopathy 1G; Autosomal recessive limb-girdle muscular dystrophy type 2J. Last evaluated: 2025-12-23. Review status: criteria provided, single submitter. Criteria: Invitae Variant Classification Sherloc (09022015). Collection method: clinical testing. Allele origin: germline.
Comment: This sequence change creates a premature translational stop signal (p.Val18122Metfs*19) in the TTN gene. While this is not anticipated to result in nonsense mediated decay, it is expected to create a truncated TTN protein. This variant is not present in population databases (gnomAD no frequency). This variant has not been reported in the literature in individuals affected with TTN-related conditions. This variant is located in the A band of TTN (PMID: 25589632). Truncating variants in this region are significantly overrepresented in patients affected with dilated cardiomyopathy (PMID: 25589632). Truncating variants in this region have also been reported in individuals affected with autosomal recessive centronuclear myopathy (PMID: 23975875). In summary, the currently available evidence indicates that the variant is pathogenic, but additional data are needed to prove that conclusively. Therefore, this variant has been classified as Likely Pathogenic.

Literature cited by the submitters: PubMed 25589632; PubMed 23975875.